The following is an entry in ClinVar:

GRCh38/hg38 2q22.3(chr2:143873711-144513307)x1

Genes: GTDC1 (glycosyltransferase like domain containing 1; minus strand), ZEB2 (zinc finger E-box binding homeobox 2; minus strand), LOC101928386 (uncharacterized LOC101928386; plus strand), LOC110120671 (VISTA enhancer hs407; plus strand), LOC111721705 (skeletal muscle cis-regulatory module overlapping ZEB2; plus strand) and 9 more. Cytogenetic location: 2q22.3.
Variant type: copy number loss.
Change: copy number 1 (one copy instead of two) of chr2:143,873,711-144,513,307 (639.6 kb, GRCh38 coordinates, 1-based), cytogenetic band 2q22.3.
Identifiers: ClinVar variation 60213 (VCV000060213.1).

ClinVar aggregate classification (germline): Pathogenic (1 of 4 stars; one submission).

Submission:

ISCA site 17
Classification: Pathogenic. Last evaluated: 2011-08-12. Review status: criteria provided, single submitter. Criteria: Kaminsky et al. (Genet Med. 2011). Collection method: clinical testing. Allele origin: de novo. Affected: yes. Observed: 1 variant allele.
Comment: Copy number variation identified through the course of routine clinical cytogenomic testing in postnatal populations. Clinical assertions have been curated as described in Kaminsky et al. 2011.